The following is an entry in ClinVar:

NM_014476.5(PDLIM3):c.-124_330+?dup454

Gene: PDLIM3 (PDZ and LIM domain 3; minus strand). Cytogenetic location: 4q35.1.
Variant type: Duplication.
Coding change: c.-124_330+?dup454 on transcript NM_014476.5.
Identifiers: ClinVar variation 254082 (VCV000254082.1).

ClinVar aggregate classification (germline): Uncertain significance (1 of 4 stars; one submission).

Conditions:
Hypertrophic cardiomyopathy. Also called: HYPERTROPHIC MYOCARDIOPATHY. Identifiers: Orphanet 217569, MedGen C0007194, MeSH D002312, MONDO:0005045, HP:0001639.
Primary dilated cardiomyopathy (DCM). Also called: Dilated Cardiomyopathy. Identifiers: Orphanet 217604, MedGen C0007193, MeSH D002311, MONDO:0005021, HP:0001644. Inheritance: Various modes of inheritance.

Submission:

Labcorp Genetics (formerly Invitae), Labcorp
Classification: Uncertain significance for Hypertrophic cardiomyopathy; Primary dilated cardiomyopathy. Last evaluated: 2016-04-25. Review status: criteria provided, single submitter. Criteria: Invitae Variant Classification Sherloc (09022015). Collection method: clinical testing. Allele origin: germline.
Comment: This variant is a gross duplication of the genomic region encompassing exons 1-3 of the PDLIM3 gene. The 5' end of this event is unknown as it extends beyond the assayed region for this gene and therefore may encompass additional genes. The 3' boundary is likely confined to intron 3 of the PDLIM3 gene. This variant is not present in population databases and has not been reported in the literature in individuals with a PDLIM3-related disease. In summary, this is a novel duplication involving the first coding exon of the PDLIM3 gene. However the genomic location and orientation of the duplicated sequence is unknown. For these reasons, this change has been classified as a Variant of Uncertain Significance.